The following is an entry in ClinVar:

NM_000135.4(FANCA):c.1510C>T (p.Arg504Cys)

Gene: FANCA (FA complementation group A; minus strand). Cytogenetic location: 16q24.3.
Variant type: single nucleotide variant.
Coding change: c.1510C>T on transcript NM_000135.4 (MANE Select); coding-DNA position 1510, C replaced by T.
Protein change: p.Arg504Cys; replaces arginine 504 with cysteine.
Molecular consequence: missense variant.
Genome position (GRCh38, 1-based): chr16:89,783,063, G>A on the plus strand (C>T on the coding strand, the complement: FANCA is on the minus strand). VCF-style: chr16-89783063-G-A. GRCh37 (hg19) VCF-style: chr16-89849471-G-A.
Other names: c.1510C>T (LRG_495t1); c.1510C>T, p.Arg504Cys (NM_001286167.3); short protein forms R504C.
Identifiers: ClinVar variation 550750 (VCV000550750.15), dbSNP rs200291237, ClinGen allele CA286579145.

ClinVar aggregate classification (germline): Conflicting classifications of pathogenicity. Review status: criteria provided, conflicting classifications (1 of 4 stars). 5 submissions from 5 submitters: Uncertain significance (2); Likely benign (1). 2 of the submissions do not count toward it. Last evaluated 2025-11-24.

Conditions:
Fanconi anemia (FA). Also called: Fanconi's anemia. Identifiers: Orphanet 84, MedGen C0015625, MeSH D005199, MONDO:0019391.
Fanconi anemia complementation group A (FANCA). Also called: FANCA-Related Fanconi Anemia; Fanconi anemia, group A. Identifiers: Orphanet 84, MedGen C3469521, MONDO:0009215, OMIM 227650.

Allele frequency attached by ClinVar (database versions not stated): TOPMed 0.00003; gnomAD 0.00004.
gnomAD v4.1: 45 of 1,613,796 alleles (0.0028%); highest among the groups gnomAD compares: African/African-American, 0.0053%; no homozygotes.

Submissions (5):

Labcorp Genetics (formerly Invitae), Labcorp
Classification: Likely benign for Fanconi anemia. Last evaluated: 2025-11-24. Review status: criteria provided, single submitter. Criteria: Invitae Variant Classification Sherloc (09022015). Collection method: clinical testing. Allele origin: germline.

St. Jude Molecular Pathology, St. Jude Children's Research Hospital
Classification: Uncertain significance for Fanconi anemia complementation group A. Last evaluated: 2025-02-05. Review status: criteria provided, single submitter. Criteria: St. Jude Assertion Criteria 2020. Collection method: clinical testing. Allele origin: germline.
Comment: The FANCA c.1510C>T p.(Arg504Cys) missense change has a maximum subpopulation frequency of 0.008% in gnomAD v2.1.1. The in silico tool REVEL is inconclusive about a pathogenic or benign effect of this variant on protein function, and functional studies have not been performed. This variant has not been reported in individuals with Fanconi anemia. In summary, the evidence currently available is insufficient to determine the clinical significance of this variant. It has therefore been classified as of uncertain significance.

Fulgent Genetics
Classification: Uncertain significance for Fanconi anemia complementation group A. Last evaluated: 2024-03-19. Review status: criteria provided, single submitter. Criteria: ACMG Guidelines, 2015. Collection method: clinical testing. Allele origin: germline.

Natera, Inc.
Classification: Uncertain significance for Fanconi anemia, group A. Last evaluated: 2020-09-16. Review status: no assertion criteria provided. Collection method: clinical testing. Allele origin: germline. Not counted in ClinVar's aggregate classification.

Counsyl
Classification: Uncertain significance for Fanconi anemia complementation group A. Last evaluated: 2017-02-14. Review status: no assertion criteria provided. Collection method: clinical testing. Allele origin: unknown. Not counted in ClinVar's aggregate classification.

Literature cited by the submitters: PubMed 27701467 (cited by Counsyl).